The following is an entry in ClinVar:

NM_000488.4(SERPINC1):c.881G>A (p.Arg294His)

Gene: SERPINC1 (serpin family C member 1; minus strand). Cytogenetic location: 1q25.1.
Variant type: single nucleotide variant.
Coding change: c.881G>A on transcript NM_000488.4 (MANE Select); coding-DNA position 881, G replaced by A.
Protein change: p.Arg294His; replaces arginine 294 with histidine.
Molecular consequence: missense variant.
Genome position (GRCh38, 1-based): chr1:173,909,824, C>T on the plus strand (G>A on the coding strand, the complement: SERPINC1 is on the minus strand). VCF-style: chr1-173909824-C-T. GRCh37 (hg19) VCF-style: chr1-173878962-C-T.
Other names: NM_000488.3(SERPINC1):c.881G>A; p.Arg294His; c.737G>A, p.Arg246His (NM_001365052.2); c.1004G>A, p.Arg335His (NM_001386302.1); c.962G>A, p.Arg321His (NM_001386303.1); c.860G>A, p.Arg287His (NM_001386304.1); c.824G>A, p.Arg275His (NM_001386305.1); c.665G>A, p.Arg222His (NM_001386306.1); short protein forms R294H, R246H, R222H, R275H, R287H, R321H, R335H.
Identifiers: ClinVar variation 155937 (VCV000155937.14), dbSNP rs587776397, ClinGen allele CA233131.

ClinVar aggregate classification (germline): Likely benign. Review status: reviewed by expert panel (3 of 4 stars). 2 submissions from 2 submitters: Likely benign (1). 1 of the submissions does not count toward it. Last evaluated 2023-07-25.

Conditions:
Hereditary antithrombin deficiency (AT3D). Also called: Thrombophilia due to antithrombin III deficiency; Antithrombin III deficiency; Antithrombin deficiency; Reduced antithrombin III activity. Identifiers: Orphanet 82, MedGen C0272375, MONDO:0013144, OMIM 613118, HP:0001976.

Allele frequency attached by ClinVar (database versions not stated): gnomAD 0.00001; gnomAD exomes 0.00001 and 0.00002; ExAC 0.00002; TOPMed 0.00002.
gnomAD v4.1: 22 of 1,613,964 alleles (0.0014%); highest among the groups gnomAD compares: Admixed American, 0.0033%; no homozygotes.

Submissions (2):

Clingen Thrombosis Variant Curation Expert Panel, ClinGen
Classification: Likely benign for Hereditary antithrombin deficiency. Last evaluated: 2023-07-25. Review status: reviewed by expert panel. Criteria: ClinGen ACMG Specifications SERPINC1 V1.0.0. Collection method: curation. Allele origin: germline. Inheritance: Autosomal dominant inheritance.
Comment: The variant is reported at the highest MAF of 0.00004412 (5/113318 alleles) in the non-Finnish European population, which does not meet criteria for PM2_Supporting. This variant has not been reported in the literature in association with autosomal dominant antithrombin III deficiency. The variant is reported in 2 individuals in internal cohort, with 1 reporting normal antithrombin levels meeting BS2_supporting. The variant has a REVEL score of 0.127, which does meet criteria for BP4 (SpliceAI and VarSEAK predicts no impact). In summary, this variant meets criteria to be classified as likely benign. ACMG/AMP criteria applied, as specified by the Thrombosis Variant Curation Expert Panel for SERPINC1: BS2_supporting, BP4.

Hubei Clinical and Research Center of Thrombosis and Hemostasis Institute of Hematology, Union Hospital
No classification provided. Review status: no classification provided. Collection method: not provided. Allele origin: not provided. Not counted in ClinVar's aggregate classification.